The following is an entry in ClinVar:

NM_003073.5(SMARCB1):c.796-227C>T

Gene: SMARCB1 (SWI/SNF related BAF chromatin remodeling complex subunit B1; plus strand). Cytogenetic location: 22q11.23.
Variant type: single nucleotide variant.
Coding change: c.796-227C>T on transcript NM_003073.5 (MANE Select); 227 bases into the intron before coding-DNA position 796, C replaced by T.
Molecular consequence: intron variant.
Genome position (GRCh38, 1-based): chr22:23,824,998, C>T. VCF-style: chr22-23824998-C-T. GRCh37 (hg19) VCF-style: chr22-24167185-C-T.
Other names: c.850-227C>T (NM_001362877.2); c.823-227C>T (NM_001317946.2); c.769-227C>T (NM_001007468.3).
Identifiers: ClinVar variation 677106 (VCV000677106.1), dbSNP rs11704313, ClinGen allele CA14993609.

ClinVar aggregate classification (germline): Benign (1 of 4 stars; one submission).

Allele frequency attached by ClinVar (database versions not stated): gnomAD exomes 0.13244; 1000 Genomes Project 30x 0.14382; 1000 Genomes Project 0.14657; TOPMed 0.11742; gnomAD 0.11962 and 0.12350.
gnomAD v4.1: 77,442 of 595,138 alleles (13%); highest among the groups gnomAD compares: South Asian, 27%; 5,953 homozygotes.

Submission:

GeneDx
Classification: Benign. Last evaluated: 2018-06-20. Review status: criteria provided, single submitter. Criteria: GeneDx Variant Classification (06012015). Collection method: clinical testing. Allele origin: germline. Affected: yes.
Comment: This variant is considered likely benign or benign based on one or more of the following criteria: it is a conservative change, it occurs at a poorly conserved position in the protein, it is predicted to be benign by multiple in silico algorithms, and/or has population frequency not consistent with disease.